The following is an entry in ClinVar:

ClinVar aggregate classification (germline): Uncertain significance. Review status: criteria provided, multiple submitters, no conflicts (2 of 4 stars). 2 submissions from 2 submitters: Uncertain significance (2). Last evaluated 2024-08-19.

Conditions:
Cardiomyopathy (CMYO). Also called: Cardiomyopathies. Identifiers: Orphanet 167848, MedGen C0878544, MONDO:0004994, HP:0001638. Inheritance: Various modes of inheritance.

Allele frequency attached by ClinVar (database versions not stated): gnomAD exomes below 0.00001; ExAC 0.00001.
gnomAD v4.1: 3 of 1,612,504 alleles (0.00019%); highest among the groups gnomAD compares: South Asian, 0.0022%; no homozygotes.

Submissions (2):

Color Diagnostics, LLC DBA Color Health
Classification: Uncertain significance for Cardiomyopathy. Last evaluated: 2024-08-19. Review status: criteria provided, single submitter. Criteria: ACMG Guidelines, 2015. Collection method: clinical testing. Allele origin: germline.
Comment: This missense variant replaces proline with arginine at codon 82 of the TNNI3 protein. Computational prediction tools indicate that this variant has a deleterious impact on protein structure and function. To our knowledge, functional studies have not been reported for this variant. This variant has been reported in two individuals affected with hypertrophic cardiomyopathy and in one healthy control individual (PMID: 22876777). This variant has been identified in 1/241594 chromosomes in the general population by the Genome Aggregation Database (gnomAD). The available evidence is insufficient to determine the role of this variant in disease conclusively. Therefore, this variant is classified as a Variant of Uncertain Significance.

CHEO Genetics Diagnostic Laboratory, Children's Hospital of Eastern Ontario
Classification: Uncertain significance for Cardiomyopathy. Last evaluated: 2018-02-09. Review status: criteria provided, single submitter. Criteria: ACMG Guidelines, 2015. Collection method: clinical testing. Allele origin: germline.

Literature cited by the submitters: PubMed 22876777 (cited by Color Diagnostics, LLC DBA Color Health).

NM_000363.5(TNNI3):c.245C>G (p.Pro82Arg)

Gene: TNNI3 (troponin I3, cardiac type; minus strand). Cytogenetic location: 19q13.42.
Variant type: single nucleotide variant.
Coding change: c.245C>G on transcript NM_000363.5 (MANE Select); coding-DNA position 245, C replaced by G.
Protein change: p.Pro82Arg; replaces proline 82 with arginine.
Molecular consequence: missense variant.
Genome position (GRCh38, 1-based): chr19:55,156,238, G>C on the plus strand (C>G on the coding strand, the complement: TNNI3 is on the minus strand). VCF-style: chr19-55156238-G-C. GRCh37 (hg19) VCF-style: chr19-55667606-G-C.
Other names: short protein forms P82R.
Identifiers: ClinVar variation 915638 (VCV000915638.6), dbSNP rs752503819, ClinGen allele CA050791.